The following is an entry in ClinVar:

ClinVar aggregate classification (germline): Likely benign (1 of 4 stars; one submission).

Conditions:
Intellectual developmental disorder, autosomal dominant 10. Also called: Intellectual disability, autosomal dominant 10. Identifiers: MedGen C3280284, MONDO:0013657, OMIM 614256.

Submission:

Centre for Medical Genetics,  Mumbai
Classification: Likely benign for Intellectual developmental disorder, autosomal dominant 10. Last evaluated: 2026-02-26. Review status: criteria provided, single submitter. Criteria: ACMG Guidelines, 2015. Collection method: provider interpretation. Allele origin: germline. Inheritance: Autosomal dominant inheritance. Affected: no. Observed: 1 variant allele, 1 heterozygote.
Comment: The variant satisfies PM2 criteria; Extremely low frequency in gnomAD population databases. The variant satisfies BP4 criteria; For a missense or a splice region variant, computational prediction tools unanimously support a benign effect on the gene. However, the variant satisfies BS2 criteria.

Literature cited by the submitters: PubMed 21376300.

NM_006078.5(CACNG2):c.925G>A (p.Asp309Asn)

Gene: CACNG2 (calcium voltage-gated channel auxiliary subunit gamma 2; minus strand). Cytogenetic location: 22q12.3.
Variant type: single nucleotide variant.
Coding change: c.925G>A on transcript NM_006078.5 (MANE Select); coding-DNA position 925, G replaced by A.
Protein change: p.Asp309Asn; replaces aspartic acid 309 with asparagine.
Molecular consequence: missense variant. On other transcripts: non-coding transcript variant (1).
Genome position (GRCh38, 1-based): chr22:36,564,398, C>T on the plus strand (G>A on the coding strand, the complement: CACNG2 is on the minus strand). VCF-style: chr22-36564398-C-T. GRCh37 (hg19) VCF-style: chr22-36960445-C-T.
Other names: c.856G>A, p.Asp286Asn (NM_001379051.1); short protein forms D286N, D309N.
Identifiers: ClinVar variation 4819242 (VCV004819242.1).